The following is an entry in ClinVar:

ClinVar aggregate classification (germline): Uncertain significance (1 of 4 stars; one submission).

Submission:

Labcorp Genetics (formerly Invitae), Labcorp
Classification: Uncertain significance. Last evaluated: 2022-06-27. Review status: criteria provided, single submitter. Criteria: Invitae Variant Classification Sherloc (09022015). Collection method: clinical testing. Allele origin: germline.
Comment: This variant results in a copy number gain of the genomic region encompassing exon(s) 5-7 of the MSTO1 gene. While the exact position of this variant cannot be determined from the data, sub-genic copy number gains are generally in tandem (PMID: 25640679). This variant is predicted to be in-frame, and likely preserves the integrity of the reading frame. This variant has not been reported in the literature in individuals affected with MSTO1-related conditions. In summary, the available evidence is currently insufficient to determine the role of this variant in disease. Therefore, it has been classified as a Variant of Uncertain Significance.

Literature cited by the submitters: PubMed 25640679.

NC_000001.10:g.(?_155581185)_(155581891_?)dup

Gene: MSTO1 (misato mitochondrial distribution and morphology regulator 1; plus strand). Cytogenetic location: 1q22.
Variant type: Duplication.
Identifiers: ClinVar variation 2426442 (VCV002426442.3).